The following is an entry in ClinVar:

ClinVar aggregate classification (germline): Uncertain significance (1 of 4 stars; one submission).

Conditions:
Hypohidrotic X-linked ectodermal dysplasia (XHED). Also called: Anhidrotic ectodermal dysplasia X-linked; Christ Siemens Touraine syndrome; ECTODERMAL DYSPLASIA 1, HYPOHIDROTIC/HAIR/TOOTH TYPE, X-LINKED; Christ-Siemans-Touraine syndrome; ECTODERMAL DYSPLASIA 1; ECTODERMAL DYSPLASIA, HYPOHIDROTIC, 1. Identifiers: Orphanet 181, Orphanet 238468, MedGen C0162359, MONDO:0010585, OMIM 305100.

Submission:

Labcorp Genetics (formerly Invitae), Labcorp
Classification: Uncertain significance for Hypohidrotic X-linked ectodermal dysplasia. Last evaluated: 2023-08-17. Review status: criteria provided, single submitter. Criteria: Invitae Variant Classification Sherloc (09022015). Collection method: clinical testing. Allele origin: germline.
Comment: In summary, the available evidence is currently insufficient to determine the role of this variant in disease. Therefore, it has been classified as a Variant of Uncertain Significance. Variants that disrupt the consensus splice site are a relatively common cause of aberrant splicing (PMID: 17576681, 9536098). Studies have shown that this variant results in the activation of a cryptic splice site in exon 8 (PMID: 34906502). ClinVar contains an entry for this variant (Variation ID: 949923). This variant is also known as IVS8+5. This variant has been observed in individual(s) with clinical features of ectodermal dysplasia (PMID: 11279189, 34906502; Invitae). This variant is not present in population databases (gnomAD no frequency). This sequence change falls in intron 7 of the EDA gene. It does not directly change the encoded amino acid sequence of the EDA protein. RNA analysis indicates that this variant induces altered splicing and likely results in the loss of 2 amino acid residue(s), but is expected to preserve the integrity of the reading-frame.

Literature cited by the submitters: PubMed 17576681; PubMed 9536098; PubMed 34906502; PubMed 11279189.

NM_001399.5(EDA):c.924+5G>A

Gene: EDA (ectodysplasin A; plus strand). Cytogenetic location: Xq13.1.
Variant type: single nucleotide variant.
Coding change: c.924+5G>A on transcript NM_001399.5 (MANE Select); 5 bases into the intron after coding-DNA position 924, G replaced by A.
Molecular consequence: intron variant.
Genome position (GRCh38, 1-based): chrX:70,033,533, G>A. VCF-style: chrX-70033533-G-A. GRCh37 (hg19) VCF-style: chrX-69253383-G-A.
Other names: c.918+11G>A (NM_001005609.2); c.909+11G>A (NM_001005612.3).
Identifiers: ClinVar variation 949923 (VCV000949923.4), dbSNP rs2020227617, ClinGen allele CA1139667628.